The following is an entry in ClinVar:

NM_206933.4(USH2A):c.14439_14454del (p.Asn4812_Cys4813insTer)

Gene: USH2A (usherin; minus strand). Cytogenetic location: 1q41.
Variant type: Deletion.
Coding change: c.14439_14454del on transcript NM_206933.4 (MANE Select); coding-DNA positions 14439 to 14454, 16 bases deleted (TTGCAGCAAAGGACCG).
Protein change: p.Asn4812_Cys4813insTer.
Molecular consequence: nonsense.
Genome position (GRCh38, 1-based): chr1:215,648,656-215,648,671, CGGTCCTTTGCTGCAA deleted on the plus strand (TTGCAGCAAAGGACCG on the coding strand, the reverse complement: USH2A is on the minus strand); deleting any 16 consecutive bases within chr1:215,648,656-215,648,672 gives the same sequence; the c. name uses the placement nearest the transcript's 3' end. VCF-style (leftmost placement, unchanged base first): chr1-215648655-TCGGTCCTTTGCTGCAA-T. GRCh37 (hg19) VCF-style: chr1-215821997-TCGGTCCTTTGCTGCAA-T.
Identifiers: ClinVar variation 870918 (VCV000870918.46), dbSNP rs1656942613, ClinGen allele CA1139656550.

ClinVar aggregate classification (germline): Pathogenic. Review status: criteria provided, multiple submitters, no conflicts (2 of 4 stars). 4 submissions from 4 submitters: Pathogenic (4). Last evaluated 2025-11-18.

Conditions:
Retinitis pigmentosa 39 (RP39). Identifiers: Orphanet 791, MedGen C3151138, MONDO:0013436, OMIM 613809.
Monogenic hearing loss.

Submissions (4):

Genetics Laboratory, Great Ormond Street Hospital NHS Foundation Trust, North Thames Genomic Laboratory Hub
Classification: Pathogenic for Monogenic hearing loss. Last evaluated: 2025-11-18. Review status: criteria provided, single submitter. Criteria: ACGS Best Practice Guidelines for Variant Classification in Rare Disease 2024 v1.2. Collection method: clinical testing. Allele origin: germline. Affected: yes.
Comment: PM2_moderate, PVS1_very-strong, PM3_strong

Labcorp Genetics (formerly Invitae), Labcorp
Classification: Pathogenic. Last evaluated: 2024-01-09. Review status: criteria provided, single submitter. Criteria: Invitae Variant Classification Sherloc (09022015). Collection method: clinical testing. Allele origin: germline.
Comment: This sequence change creates a premature translational stop signal (p.Cys4813*) in the USH2A gene. It is expected to result in an absent or disrupted protein product. Loss-of-function variants in USH2A are known to be pathogenic (PMID: 10729113, 10909849, 20507924, 25649381). This variant is not present in population databases (gnomAD no frequency). This premature translational stop signal has been observed in individual(s) with Usher syndrome (PMID: 32531858). ClinVar contains an entry for this variant (Variation ID: 870918). For these reasons, this variant has been classified as Pathogenic.

Baylor Genetics
Classification: Pathogenic for Retinitis pigmentosa 39. Last evaluated: 2022-06-15. Review status: criteria provided, single submitter. Criteria: ACMG Guidelines, 2015. Collection method: clinical testing. Allele origin: unknown.

CeGaT Center for Human Genetics Tuebingen
Classification: Pathogenic. Last evaluated: 2017-03-01. Review status: criteria provided, single submitter. Criteria: CeGaT Center For Human Genetics Tuebingen Variant Classification Criteria Version 2. Collection method: clinical testing. Allele origin: germline. Affected: yes. Observed: 1 variant allele.

Literature cited by the submitters: PubMed 10729113 (cited by Labcorp Genetics (formerly Invitae), Labcorp); PubMed 10909849 (cited by Labcorp Genetics (formerly Invitae), Labcorp); PubMed 20507924 (cited by Labcorp Genetics (formerly Invitae), Labcorp); PubMed 25649381 (cited by Labcorp Genetics (formerly Invitae), Labcorp); PubMed 32531858 (cited by Labcorp Genetics (formerly Invitae), Labcorp).